The following is an entry in ClinVar:

NM_015874.6(RBPJ):c.98A>G (p.Gln33Arg)

Genes: RBPJ (recombination signal binding protein for immunoglobulin kappa J region; plus strand), LOC126807011 (MED14-independent group 3 enhancer GRCh37_chr4:26407341-26408540; plus strand). Cytogenetic location: 4p15.2.
Variant type: single nucleotide variant.
Coding change: c.98A>G on transcript NM_015874.6 (MANE Select); coding-DNA position 98, A replaced by G.
Protein change: p.Gln33Arg; replaces glutamine 33 with arginine.
Molecular consequence: missense variant.
Genome position (GRCh38, 1-based): chr4:26,406,213, A>G. VCF-style: chr4-26406213-A-G. GRCh37 (hg19) VCF-style: chr4-26407835-A-G.
Other names: c.32A>G, p.Gln11Arg (NM_001363577.2, NM_203283.5); c.137A>G, p.Gln46Arg (NM_001374400.1, NM_001379408.1, NM_005349.4); c.95A>G, p.Gln32Arg (NM_001374401.1, NM_001374402.1, NM_001374403.1 and 3 more transcripts); c.92A>G, p.Gln31Arg (NM_001379409.1); short protein forms Q32R, Q46R, Q11R, Q31R, Q33R.
Identifiers: ClinVar variation 3152604 (VCV003152604.2), dbSNP rs150528384, ClinGen allele CA94390246.

ClinVar aggregate classification (germline): Uncertain significance. Review status: criteria provided, multiple submitters, no conflicts (2 of 4 stars). 2 submissions from 2 submitters: Uncertain significance (2). Last evaluated 2025-04-14.

Conditions:
Inborn genetic diseases. Identifiers: MedGen C0950123, MeSH D030342.

Allele frequency attached by ClinVar (database versions not stated): gnomAD 0.00001; gnomAD exomes 0.00001; TOPMed 0.00002; ESP Exome Variant Server 0.00015.
gnomAD v4.1: 13 of 1,612,908 alleles (0.00081%); highest among the groups gnomAD compares: African/African-American, 0.0027%; no homozygotes.

Submissions (2):

Labcorp Genetics (formerly Invitae), Labcorp
Classification: Uncertain significance. Last evaluated: 2025-04-14. Review status: criteria provided, single submitter. Criteria: Invitae Variant Classification Sherloc (09022015). Collection method: clinical testing. Allele origin: germline.
Comment: This sequence change replaces glutamine, which is neutral and polar, with arginine, which is basic and polar, at codon 46 of the RBPJ protein (p.Gln46Arg). This variant is present in population databases (rs150528384, gnomAD 0.007%). This variant has not been reported in the literature in individuals affected with RBPJ-related conditions. ClinVar contains an entry for this variant (Variation ID: 3152604). Invitae Evidence Modeling of protein sequence and biophysical properties (such as structural, functional, and spatial information, amino acid conservation, physicochemical variation, residue mobility, and thermodynamic stability) indicates that this missense variant is not expected to disrupt RBPJ protein function with a negative predictive value of 80%. In summary, the available evidence is currently insufficient to determine the role of this variant in disease. Therefore, it has been classified as a Variant of Uncertain Significance.

Ambry Genetics
Classification: Uncertain significance for Inborn genetic diseases. Last evaluated: 2023-12-28. Review status: criteria provided, single submitter. Criteria: Ambry Variant Classification Scheme 2023. Collection method: clinical testing. Allele origin: germline.